The following is an entry in ClinVar:

ClinVar aggregate classification (germline): Pathogenic. Review status: criteria provided, multiple submitters, no conflicts (2 of 4 stars). 9 submissions from 9 submitters: Pathogenic (9). Last evaluated 2025-09-12.

Conditions:
Cardiovascular phenotype. Identifiers: MedGen CN230736.
Hereditary cancer-predisposing syndrome. Also called: Hereditary Cancer Syndrome; Tumor predisposition; Neoplastic Syndromes, Hereditary; Hereditary neoplastic syndrome. Identifiers: Orphanet 140162, MedGen C0027672, MeSH D009386, MONDO:0015356.
NF1-related disorder. Also called: NF1-related condition. Identifiers: MedGen CN379171.
Neurofibromatosis, type 1 (NF1). Also called: VON RECKLINGHAUSEN DISEASE; NEUROFIBROMATOSIS, TYPE I, SOMATIC; Peripheral type neurofibromatosis; Neurofibromatosis, type I. Identifiers: Orphanet 636, MedGen C0027831, MONDO:0018975, OMIM 162200. Disease mechanism: loss of function.

Submissions (9):

Ambry Genetics
Classification: Pathogenic for Cardiovascular phenotype; Hereditary cancer-predisposing syndrome. Last evaluated: 2025-09-12. Review status: criteria provided, single submitter. Criteria: Ambry Variant Classification Scheme 2023. Collection method: clinical testing. Allele origin: germline.
Comment: The c.2325+1G>A intronic pathogenic mutation results from a G to A substitution one nucleotide after coding exon 19 of the NF1 gene. This mutation was detected in an individual satisfying diagnostic criteria for Neurofibromatosis type 1 (NF1) (Nemethova M et al. Ann. Hum. Genet., 2013 Sep;77:364-79; Ambry internal data). This nucleotide position is highly conserved in available vertebrate species. In silico splice site analysis predicts that this alteration will weaken the native splice donor site. RNA studies have demonstrated that this alteration results in abnormal splicing in the set of samples tested (Ambry internal data). This variant is considered to be rare based on population cohorts in the Genome Aggregation Database (gnomAD). In addition to the clinical data presented in the literature, alterations that disrupt the canonical splice site are expected to cause aberrant splicing, resulting in an abnormal protein or a transcript that is subject to nonsense-mediated mRNA decay. As such, this alteration is classified as a disease-causing mutation.

Labcorp Genetics (formerly Invitae), Labcorp
Classification: Pathogenic for Neurofibromatosis, type 1. Last evaluated: 2025-02-23. Review status: criteria provided, single submitter. Criteria: Invitae Variant Classification Sherloc (09022015). Collection method: clinical testing. Allele origin: germline.
Comment: This sequence change affects a donor splice site in intron 19 of the NF1 gene. RNA analysis indicates that disruption of this splice site induces altered splicing and may result in an absent or altered protein product. This variant is not present in population databases (gnomAD no frequency). Disruption of this splice site has been observed in individuals with neurofibromatosis type 1 (PMID: 23758643; internal data). ClinVar contains an entry for this variant (Variation ID: 546100). Studies have shown that disruption of this splice site results in skipping of exon 19 , and produces a non-functional protein and/or introduces a premature termination codon (internal data). For these reasons, this variant has been classified as Pathogenic.

NHS Central & South Genomic Laboratory Hub
Classification: Pathogenic for Neurofibromatosis type 1. Last evaluated: 2024-11-11. Review status: criteria provided, single submitter. Criteria: ACMG Guidelines, 2015. Collection method: clinical testing. Allele origin: germline. Affected: yes.

CeGaT Center for Human Genetics Tuebingen
Classification: Pathogenic. Last evaluated: 2023-12-01. Review status: criteria provided, single submitter. Criteria: CeGaT Center For Human Genetics Tuebingen Variant Classification Criteria Version 2. Collection method: clinical testing. Allele origin: germline. Affected: yes. Observed: 1 variant allele.
Comment: NF1: PVS1, PM2, PS4:Moderate

Blueprint Genetics
Classification: Pathogenic for NF1-related disorders. Last evaluated: 2022-08-02. Review status: criteria provided, single submitter. Criteria: ACMG Guidelines, 2015. Collection method: clinical testing. Allele origin: germline. Affected: yes. Observed: 1 variant allele.

Genome-Nilou Lab
Classification: Pathogenic for Neurofibromatosis, type 1. Last evaluated: 2022-03-15. Review status: criteria provided, single submitter. Criteria: ACMG Guidelines, 2015. Collection method: clinical testing. Allele origin: germline. Affected: no.

GeneDx
Classification: Pathogenic. Last evaluated: 2022-02-14. Review status: criteria provided, single submitter. Criteria: GeneDx Variant Classification Process June 2021. Collection method: clinical testing. Allele origin: germline. Affected: yes.
Comment: Canonical splice site variant in a gene for which loss-of-function is a known mechanism of disease; Not observed in large population cohorts (gnomAD); Also known as IVS14+1G>A; This variant is associated with the following publications: (PMID: 31243023, 17668375, 30694527, 23758643)

ARUP Laboratories, Molecular Genetics and Genomics, ARUP Laboratories
Classification: Pathogenic. Last evaluated: 2018-09-19. Review status: criteria provided, single submitter. Criteria: ARUP Molecular Germline Variant Investigation Process. Collection method: clinical testing. Allele origin: germline.
Comment: The NF1 c.2325+1G>A variant has been described in individuals affected with neurofibromatosis, type 1 (NF1; Nemethova 2013, Sabbagh 2013). It is reported as pathogenic in ClinVar (Variation ID: 546100) and is absent from general population databases (1000 Genomes Project, Exome Variant Server, and Genome Aggregation Database), indicating it is not a common polymorphism. This variant abolishes the canonical splice donor site of intron 19, and mRNA studies demonstrate skipping of exon 19 (Sabbagh 2013) which results in an out-of-frame protein product. Based on available information, this variant is considered pathogenic. References: Nemethova M et al. Thirty-nine novel neurofibromatosis 1 (NF1) gene mutations identified in Slovak patients. Ann Hum Genet. 2013 Sep;77(5):364-79. Sabbagh A et al. NF1 molecular characterization and neurofibromatosis type I genotype-phenotype correlation: the French experience. Hum Mutat. 2013 Nov;34(11):1510-8.

Center for Human Genetics, Inc
Classification: Pathogenic for Neurofibromatosis, type 1. Last evaluated: 2016-11-01. Review status: criteria provided, single submitter. Criteria: ACMG Guidelines, 2015. Collection method: clinical testing. Allele origin: germline. Affected: yes.

Literature cited by the submitters: PubMed 23758643 (cited by Ambry Genetics and Labcorp Genetics (formerly Invitae), Labcorp).

NM_001042492.3(NF1):c.2325+1G>A

Gene: NF1 (neurofibromin 1; plus strand). Cytogenetic location: 17q11.2.
Variant type: single nucleotide variant.
Coding change: c.2325+1G>A on transcript NM_001042492.3 (MANE Select); the canonical splice donor site of the intron after coding-DNA position 2325, G replaced by A.
Molecular consequence: splice donor variant.
Genome position (GRCh38, 1-based): chr17:31,227,292, G>A. VCF-style: chr17-31227292-G-A. GRCh37 (hg19) VCF-style: chr17-29554310-G-A.
Other names: c.2325+1G>A (NM_000267.4).
Identifiers: ClinVar variation 546100 (VCV000546100.47), dbSNP rs1555613933, ClinGen allele CA398982949.